The following is an entry in ClinVar:

NM_001320.7(CSNK2B):c.614G>A (p.Ser205Asn)

Gene: CSNK2B (casein kinase 2 beta; plus strand). Cytogenetic location: 6p21.33.
Variant type: single nucleotide variant.
Coding change: c.614G>A on transcript NM_001320.7 (MANE Select); coding-DNA position 614, G replaced by A.
Protein change: p.Ser205Asn; replaces serine 205 with asparagine.
Molecular consequence: missense variant.
Genome position (GRCh38, 1-based): chr6:31,669,892, G>A. VCF-style: chr6-31669892-G-A. GRCh37 (hg19) VCF-style: chr6-31637669-G-A.
Other names: c.605G>A, p.Ser202Asn (NM_001282385.2); short protein forms S202N, S205N.
Identifiers: ClinVar variation 4869445 (VCV004869445.1).

ClinVar aggregate classification (germline): Uncertain significance (1 of 4 stars; one submission).

Conditions:
Inborn genetic diseases. Identifiers: MedGen C0950123, MeSH D030342.

gnomAD v4.1: 1 of 1,612,970 alleles (0.000062%); highest among the groups gnomAD compares: Admixed American, 0.0017%; no homozygotes.

Submission:

Ambry Genetics
Classification: Uncertain significance for Inborn genetic diseases. Last evaluated: 2026-05-19. Review status: criteria provided, single submitter. Criteria: Ambry Variant Classification Scheme 2023. Collection method: clinical testing. Allele origin: germline.
Comment: The c.614G>A (p.S205N) alteration is located in exon 7 (coding exon 6) of the CSNK2B gene. This alteration results from a G to A substitution at nucleotide position 614, causing the serine (S) at amino acid position 205 to be replaced by an asparagine (N). Based on data from gnomAD, the A allele has an overall frequency of <0.001% (1/246798) total alleles studied. The highest observed frequency was 0.003% (1/34444) of Latino alleles. Based on insufficient or conflicting evidence, the clinical significance of this alteration remains unclear.